The following is an entry in ClinVar:

ClinVar aggregate classification (germline): Uncertain significance (1 of 4 stars; one submission).

Conditions:
Autosomal recessive nonsyndromic hearing loss 35. Identifiers: Orphanet 90636, MedGen C1837857, MONDO:0012060, OMIM 608565.

Submission:

Juno Genomics, Hangzhou Juno Genomics, Inc
Classification: Uncertain significance for Autosomal recessive nonsyndromic hearing loss 35. Review status: criteria provided, single submitter. Criteria: ACMG Guidelines, 2015. Collection method: clinical testing. Allele origin: germline. Affected: yes.
Comment: Absent from controls (or at extremely low frequency if recessive) in Genome Aggregation Database.;Protein length changes due to in-frame deletions/insertions in a non-repeat region or stop-loss variants.

NM_001379180.1(ESRRB):c.1168_1191dup (p.Asp397_Tyr398insLeuLeuHisGluAlaLeuGlnAsp)

Gene: ESRRB (estrogen related receptor beta; plus strand). Cytogenetic location: 14q24.3.
Variant type: Duplication.
Coding change: c.1168_1191dup on transcript NM_001379180.1 (MANE Select); coding-DNA positions 1168 to 1191, 24 bases duplicated (CTGCTGCACGAGGCACTGCAGGAC).
Protein change: p.Asp397_Tyr398insLeuLeuHisGluAlaLeuGlnAsp.
Molecular consequence: inframe insertion.
Genome position (GRCh38, 1-based): chr14:76,498,261-76,498,284, CTGCTGCACGAGGCACTGCAGGAC duplicated; duplicating any 24 consecutive bases within chr14:76,498,252-76,498,284 gives the same sequence; the c. name uses the placement nearest the transcript's 3' end. VCF-style (leftmost placement, unchanged base first): chr14-76498251-G-GCTGCAGGACCTGCTGCACGAGGCA. GRCh37 (hg19) VCF-style: chr14-76964594-G-GCTGCAGGACCTGCTGCACGAGGCA.
Other names: c.1120_1143dup, p.Asp381_Tyr382insLeuLeuHisGluAlaLeuGlnAsp (NM_001411038.1); c.1105_1128dup, p.Asp376_Tyr377insLeuLeuHisGluAlaLeuGlnAsp (NM_004452.4).
Identifiers: ClinVar variation 5020029 (VCV005020029.1).